The following is an entry in ClinVar:

NM_198253.3(TERT):c.2775C>T (p.His925=)

Gene: TERT (telomerase reverse transcriptase; minus strand). Cytogenetic location: 5p15.33.
Variant type: single nucleotide variant.
Coding change: c.2775C>T on transcript NM_198253.3 (MANE Select); coding-DNA position 2775, C replaced by T.
Protein change: p.His925=; no amino-acid change (histidine 925 retained).
Molecular consequence: synonymous variant. On other transcripts: intron variant (1).
Genome position (GRCh38, 1-based): chr5:1,264,472, G>A on the plus strand (C>T on the coding strand, the complement: TERT is on the minus strand). VCF-style: chr5-1264472-G-A. GRCh37 (hg19) VCF-style: chr5-1264587-G-A.
Other names: p.His925=; c.2654+1992C>T (NM_001193376.3).
Identifiers: ClinVar variation 242230 (VCV000242230.57), dbSNP rs34528119, ClinGen allele CA3184398.

ClinVar aggregate classification (germline): Benign/Likely benign. Review status: criteria provided, multiple submitters, no conflicts (2 of 4 stars). 17 submissions from 15 submitters: Benign (5); Likely benign (10). 2 of the submissions do not count toward it. Last evaluated 2026-02-04.

Conditions:
Idiopathic Pulmonary Fibrosis. Also called: Idiopathic fibrosing alveolitis, chronic form; idiopathic fibrosing alveolitis. Identifiers: Orphanet 2032, MedGen C1800706, MeSH D054990, MONDO:0800504.
Dyskeratosis congenita, autosomal dominant 2. Identifiers: MedGen C3151443, MONDO:0013521, OMIM 613989.
Dyskeratosis congenita. Identifiers: Orphanet 1775, MedGen C0265965, MONDO:0015780.
Pulmonary fibrosis and/or bone marrow failure, Telomere-related, 1. Also called: PULMONARY FIBROSIS AND/OR BONE MARROW FAILURE SYNDROME, TELOMERE-RELATED, 1. Identifiers: Orphanet 88, MedGen C3553617, MONDO:0013878, OMIM 614742.
Aplastic anemia. Identifiers: Orphanet 182040, Orphanet 88, MedGen C0002874, MONDO:0015909, OMIM 609135, HP:0001915.

Allele frequency attached by ClinVar (database versions not stated): 1000 Genomes Project 30x 0.00016; 1000 Genomes Project 0.00020; gnomAD 0.00035; gnomAD exomes 0.00069; TOPMed 0.00070; ESP Exome Variant Server 0.00088.
gnomAD v4.1: 1,208 of 1,613,858 alleles (0.075%); highest among the groups gnomAD compares: Middle Eastern, 0.58%; 12 homozygotes.

Submissions (17):

Labcorp Genetics (formerly Invitae), Labcorp
Classification: Benign for Dyskeratosis congenita, autosomal dominant 2; Idiopathic Pulmonary Fibrosis. Last evaluated: 2026-02-04. Review status: criteria provided, single submitter. Criteria: Invitae Variant Classification Sherloc (09022015). Collection method: clinical testing. Allele origin: germline.

CeGaT Center for Human Genetics Tuebingen
Classification: Likely benign. Last evaluated: 2025-12-01. Review status: criteria provided, single submitter. Criteria: CeGaT Center For Human Genetics Tuebingen Variant Classification Criteria Version 2. Collection method: clinical testing. Allele origin: germline. Affected: yes. Observed: 10 variant alleles.
Comment: TERT: BP4, BP7

Blueprint Genetics
Classification: Likely benign. Last evaluated: 2024-11-25. Review status: criteria provided, single submitter. Criteria: ACMG Guidelines, 2015. Collection method: clinical testing. Allele origin: germline.

ARUP Laboratories, Molecular Genetics and Genomics, ARUP Laboratories
Classification: Benign. Last evaluated: 2024-02-22. Review status: criteria provided, single submitter. Criteria: ARUP Molecular Germline Variant Investigation Process 2024. Collection method: clinical testing. Allele origin: germline.

Mayo Clinic Laboratories, Mayo Clinic
Classification: Benign. Last evaluated: 2023-05-09. Review status: criteria provided, single submitter. Criteria: ACMG Guidelines, 2015. Collection method: clinical testing. Allele origin: germline. Observed: 1 variant allele.
Comment: BS2, BP4, BP7

Ambry Genetics
Classification: Likely benign for Dyskeratosis congenita. Last evaluated: 2022-02-12. Review status: criteria provided, single submitter. Criteria: Ambry Variant Classification Scheme 2023. Collection method: clinical testing. Allele origin: germline.

GeneDx
Classification: Likely benign. Last evaluated: 2021-05-11. Review status: criteria provided, single submitter. Criteria: GeneDx Variant Classification Process June 2021. Collection method: clinical testing. Allele origin: germline. Affected: yes.
Comment: This variant is associated with the following publications: (PMID: 16207588, 15814878)

Sema4
Classification: Benign for Dyskeratosis congenita. Last evaluated: 2020-08-21. Review status: criteria provided, single submitter. Criteria: Sema4 Curation Guidelines. Collection method: curation. Allele origin: germline.

Johns Hopkins Genomics, Johns Hopkins University
Classification: Likely benign for Dyskeratosis congenita, autosomal dominant 2. Last evaluated: 2019-04-18. Review status: criteria provided, single submitter. Criteria: ACMG Guidelines, 2015. Collection method: clinical testing. Allele origin: germline.

Genetic Services Laboratory, University of Chicago
Classification: Benign. Last evaluated: 2018-11-01. Review status: criteria provided, single submitter. Criteria: ACMG Guidelines, 2015. Collection method: clinical testing. Allele origin: germline. Affected: no.

Illumina Laboratory Services, Illumina
Classification: Likely benign for Dyskeratosis congenita, autosomal dominant 2. Last evaluated: 2017-04-27. Review status: criteria provided, single submitter. Criteria: ICSL Variant Classification Criteria 13 December 2019. Collection method: clinical testing. Allele origin: germline.
Comment: This variant was observed as part of a predisposition screen in an ostensibly healthy population. A literature search was performed for the gene, cDNA change, and amino acid change (where applicable). No publications were found based on this search. Allele frequency data from public databases allowed determination this variant is unlikely to cause disease. Therefore, this variant is classified as likely benign.

Illumina Laboratory Services, Illumina
Classification: Likely benign for Aplastic anemia. Last evaluated: 2017-04-27. Review status: criteria provided, single submitter. Criteria: ICSL Variant Classification Criteria 13 December 2019. Collection method: clinical testing. Allele origin: germline.
Comment: This variant was observed as part of a predisposition screen in an ostensibly healthy population. A literature search was performed for the gene, cDNA change, and amino acid change (where applicable). Publications were found based on this search. The evidence from the literature, in combination with allele frequency data from public databases where available, was sufficient to determine this variant is unlikely to cause disease. Therefore, this variant is classified as likely benign.

Illumina Laboratory Services, Illumina
Classification: Likely benign for Pulmonary fibrosis and/or bone marrow failure, Telomere-related, 1. Last evaluated: 2017-04-27. Review status: criteria provided, single submitter. Criteria: ICSL Variant Classification Criteria 13 December 2019. Collection method: clinical testing. Allele origin: germline.
Comment: the same text as in the submission from Illumina Laboratory Services, Illumina above.

Breakthrough Genomics
Classification: Likely benign. Review status: criteria provided, single submitter. Criteria: ACMG Guidelines, 2015. Collection method: not provided. Allele origin: germline. Inheritance: Autosomal recessive inheritance. Affected: yes.

PreventionGenetics, part of Exact Sciences
Classification: Likely benign. Review status: criteria provided, single submitter. Criteria: ACMG Guidelines, 2015. Collection method: clinical testing. Allele origin: germline.

Clinical Genetics DNA and cytogenetics Diagnostics Lab, Erasmus MC, Erasmus Medical Center
Classification: Likely benign. Review status: no assertion criteria provided. Collection method: clinical testing. Allele origin: germline. Affected: yes. Study: VKGL Data-share Consensus. Not counted in ClinVar's aggregate classification.

Diagnostic Laboratory, Department of Genetics, University Medical Center Groningen
Classification: Benign. Review status: no assertion criteria provided. Collection method: clinical testing. Allele origin: germline. Affected: yes. Study: VKGL Data-share Consensus. Not counted in ClinVar's aggregate classification.

Literature cited by the submitters: PubMed 15814878 (cited by Illumina Laboratory Services, Illumina).